The following is an entry in ClinVar:

NM_001355436.2(SPTB):c.5197del (p.Arg1733fs)

Gene: SPTB (spectrin beta, erythrocytic; minus strand). Cytogenetic location: 14q23.3.
Variant type: Deletion.
Coding change: c.5197del on transcript NM_001355436.2 (MANE Select); coding-DNA position 5197, one base deleted (C; older notation c.5197delC).
Protein change: p.Arg1733fs; shifts the reading frame from arginine 1733.
Molecular consequence: frameshift variant.
Genome position (GRCh38, 1-based): chr14:64,772,936, G deleted on the plus strand (C on the coding strand, the reverse complement: SPTB is on the minus strand); the first of 2 consecutive G bases (chr14:64,772,936-64,772,937); deleting either gives the same sequence. VCF-style (leftmost placement, unchanged base first): chr14-64772935-CG-C. GRCh37 (hg19) VCF-style: chr14-65239653-CG-C.
Other names: c.5197del, p.Arg1733fs (NM_001024858.4, NM_001355437.2); short protein forms R1733fs.
Identifiers: ClinVar variation 2920993 (VCV002920993.1), dbSNP rs2503058049, ClinGen allele CA2739277905.

ClinVar aggregate classification (germline): Pathogenic (1 of 4 stars; one submission).

Submission:

ARUP Laboratories, Molecular Genetics and Genomics, ARUP Laboratories
Classification: Pathogenic. Last evaluated: 2023-08-14. Review status: criteria provided, single submitter. Criteria: ARUP Molecular Germline Variant Investigation Process 2024. Collection method: clinical testing. Allele origin: germline.
Comment: The SPTB c.5197del; p.Arg1733Glyfs*18 variant, to our knowledge, is not reported in the medical literature or gene specific databases. This variant is also absent from the Genome Aggregation Database, indicating it is not a common polymorphism. This variant causes a frameshift by deleting a single nucleotide, so it is predicted to result in a truncated protein or mRNA subject to nonsense-mediated decay. Based on available information, this variant is considered to be pathogenic.